The following is an entry in ClinVar:

ClinVar aggregate classification (germline): Uncertain significance (1 of 4 stars; one submission).

Allele frequency attached by ClinVar (database versions not stated): gnomAD exomes below 0.00001; gnomAD 0.00001; TOPMed 0.00001.
gnomAD v4.1: 2 of 1,613,830 alleles (0.00012%); highest among the groups gnomAD compares: African/African-American, 0.0027%; no homozygotes.

Submission:

Labcorp Genetics (formerly Invitae), Labcorp
Classification: Uncertain significance. Last evaluated: 2023-10-15. Review status: criteria provided, single submitter. Criteria: Invitae Variant Classification Sherloc (09022015). Collection method: clinical testing. Allele origin: germline.
Comment: This sequence change falls in intron 17 of the COL11A1 gene. It does not directly change the encoded amino acid sequence of the COL11A1 protein. It affects a nucleotide within the consensus splice site. This variant is present in population databases (no rsID available, gnomAD 0.007%). This variant has not been reported in the literature in individuals affected with COL11A1-related conditions. Variants that disrupt the consensus splice site are a relatively common cause of aberrant splicing (PMID: 17576681, 9536098). Algorithms developed to predict the effect of sequence changes on RNA splicing suggest that this variant is not likely to affect RNA splicing. In summary, the available evidence is currently insufficient to determine the role of this variant in disease. Therefore, it has been classified as a Variant of Uncertain Significance.

Literature cited by the submitters: PubMed 17576681; PubMed 9536098.

NM_001854.4(COL11A1):c.1791+3C>A

Gene: COL11A1 (collagen type XI alpha 1 chain; minus strand). Cytogenetic location: 1p21.1.
Variant type: single nucleotide variant.
Coding change: c.1791+3C>A on transcript NM_001854.4 (MANE Select); 3 bases into the intron after coding-DNA position 1791, C replaced by A.
Molecular consequence: intron variant.
Genome position (GRCh38, 1-based): chr1:103,006,065, G>T on the plus strand (C>A on the coding strand, the complement: COL11A1 is on the minus strand). VCF-style: chr1-103006065-G-T. GRCh37 (hg19) VCF-style: chr1-103471621-G-T.
Other names: c.1674+3C>A (NM_001190709.2); c.1827+3C>A (NM_080629.3); c.1443+3C>A (NM_080630.4).
Identifiers: ClinVar variation 2758652 (VCV002758652.3), dbSNP rs1203085888, ClinGen allele CA524902879.